The following is an entry in ClinVar:

NM_014336.5(AIPL1):c.203A>G (p.Lys68Arg)

Gene: AIPL1 (AIP like 1 HSP90 co-chaperone; minus strand). Cytogenetic location: 17p13.2.
Variant type: single nucleotide variant.
Coding change: c.203A>G on transcript NM_014336.5 (MANE Select); coding-DNA position 203, A replaced by G.
Protein change: p.Lys68Arg; replaces lysine 68 with arginine.
Molecular consequence: missense variant. On other transcripts: intron variant (1).
Genome position (GRCh38, 1-based): chr17:6,433,992, T>C on the plus strand (A>G on the coding strand, the complement: AIPL1 is on the minus strand). VCF-style: chr17-6433992-T-C. GRCh37 (hg19) VCF-style: chr17-6337312-T-C.
Other names: c.203A>G, p.Lys68Arg (NM_001033054.3, NM_001285401.3, NM_001285403.4); c.167A>G, p.Lys56Arg (NM_001285399.3); c.137A>G, p.Lys46Arg (NM_001285400.3); c.86A>G, p.Lys29Arg (NM_001285402.2); c.96+1017A>G (NM_001033055.3); short protein forms K29R, K68R, K46R, K56R.
Identifiers: ClinVar variation 1040845 (VCV001040845.7), dbSNP rs1912903029, ClinGen allele CA397397354.

ClinVar aggregate classification (germline): Uncertain significance (1 of 4 stars; one submission).

Conditions:
Leber congenital amaurosis 4 (LCA4). Identifiers: MedGen C1858386, MONDO:0011458, OMIM 604393.

Allele frequency attached by ClinVar (database versions not stated): gnomAD exomes below 0.00001; TOPMed below 0.00001; gnomAD 0.00001.

Submission:

Labcorp Genetics (formerly Invitae), Labcorp
Classification: Uncertain significance for Leber congenital amaurosis 4. Last evaluated: 2022-01-05. Review status: criteria provided, single submitter. Criteria: Invitae Variant Classification Sherloc (09022015). Collection method: clinical testing. Allele origin: germline.
Comment: This sequence change replaces lysine, which is basic and polar, with arginine, which is basic and polar, at codon 68 of the AIPL1 protein (p.Lys68Arg). This variant is not present in population databases (gnomAD no frequency). This variant has not been reported in the literature in individuals affected with AIPL1-related conditions. ClinVar contains an entry for this variant (Variation ID: 1040845). Algorithms developed to predict the effect of missense changes on protein structure and function are either unavailable or do not agree on the potential impact of this missense change (SIFT: "Tolerated"; PolyPhen-2: "Probably Damaging"; Align-GVGD: "Class C0"). Algorithms developed to predict the effect of sequence changes on RNA splicing suggest that this variant may create or strengthen a splice site. In summary, the available evidence is currently insufficient to determine the role of this variant in disease. Therefore, it has been classified as a Variant of Uncertain Significance.